The following is an entry in ClinVar:

ClinVar aggregate classification (germline): Uncertain significance (1 of 4 stars; one submission).

gnomAD v4.1: 9 of 1,613,952 alleles (0.00056%); highest among the groups gnomAD compares: South Asian, 0.0011%; no homozygotes.

Submission:

Quest Diagnostics Nichols Institute San Juan Capistrano
Classification: Uncertain significance. Last evaluated: 2025-05-19. Review status: criteria provided, single submitter. Criteria: Quest Diagnostics criteria. Collection method: clinical testing. Allele origin: unknown.
Comment: The VWF c.605G>C (p.Arg202Pro) variant has been reported in published literature in an individual affected with type 2A von Willebrand disease (VWD) (PMID: 19404524 (2009)). The frequency of this variant in the general population (Genome Aggregation Database) is uninformative in the assessment of its pathogenicity. The frequency of this variant in the general population (Genome Aggregation Database) is uninformative in the assessment of its pathogenicity. Analysis of this variant using bioinformatics tools for the prediction of the effect of amino acid changes on protein structure and function yielded predictions that this variant is damaging. Based on the available information, we are unable to determine the clinical significance of this variant.

Literature cited by the submitters: PubMed 19404524.

NM_000552.5(VWF):c.605G>C (p.Arg202Pro)

Gene: VWF (von Willebrand factor; minus strand). Cytogenetic location: 12p13.31.
Variant type: single nucleotide variant.
Coding change: c.605G>C on transcript NM_000552.5 (MANE Select); coding-DNA position 605, G replaced by C.
Protein change: p.Arg202Pro; replaces arginine 202 with proline.
Molecular consequence: missense variant.
Genome position (GRCh38, 1-based): chr12:6,095,512, C>G on the plus strand (G>C on the coding strand, the complement: VWF is on the minus strand). VCF-style: chr12-6095512-C-G. GRCh37 (hg19) VCF-style: chr12-6204678-C-G.
Other names: short protein forms R202P.
Identifiers: ClinVar variation 4533016 (VCV004533016.1).